The following is an entry in ClinVar:

NM_001134363.3(RBM20):c.2145C>T (p.Pro715=)

Gene: RBM20 (RNA binding motif protein 20; plus strand). Cytogenetic location: 10q25.2.
Variant type: single nucleotide variant.
Coding change: c.2145C>T on transcript NM_001134363.3 (MANE Select); coding-DNA position 2145, C replaced by T.
Protein change: p.Pro715=; no amino-acid change (proline 715 retained).
Molecular consequence: synonymous variant.
Genome position (GRCh38, 1-based): chr10:110,812,542, C>T. VCF-style: chr10-110812542-C-T. GRCh37 (hg19) VCF-style: chr10-112572300-C-T.
Other names: c.2145C>T (LRG_382t1).
Identifiers: ClinVar variation 298797 (VCV000298797.41), dbSNP rs764304126, ClinGen allele CA5688669.

ClinVar aggregate classification (germline): Conflicting classifications of pathogenicity. Review status: criteria provided, conflicting classifications (1 of 4 stars). 6 submissions from 6 submitters: Uncertain significance (1); Likely benign (5). Last evaluated 2026-01-27.

Conditions:
Cardiovascular phenotype. Identifiers: MedGen CN230736.
Dilated cardiomyopathy 1DD (CMD1DD). Identifiers: Orphanet 154, MedGen C2750995, MONDO:0013168, OMIM 613172.

Allele frequency attached by ClinVar (database versions not stated): gnomAD exomes 0.00011 and 0.00034; gnomAD 0.00015 and 0.00016; TOPMed 0.00016; ExAC 0.00030.
gnomAD v4.1: 187 of 1,551,616 alleles (0.012%); highest among the groups gnomAD compares: Middle Eastern, 0.017%; no homozygotes.

Submissions (6):

Labcorp Genetics (formerly Invitae), Labcorp
Classification: Likely benign for Dilated cardiomyopathy 1DD. Last evaluated: 2026-01-27. Review status: criteria provided, single submitter. Criteria: Invitae Variant Classification Sherloc (09022015). Collection method: clinical testing. Allele origin: germline.

CeGaT Center for Human Genetics Tuebingen
Classification: Likely benign. Last evaluated: 2024-12-01. Review status: criteria provided, single submitter. Criteria: CeGaT Center For Human Genetics Tuebingen Variant Classification Criteria Version 2. Collection method: clinical testing. Allele origin: germline. Affected: yes. Observed: 4 variant alleles.
Comment: RBM20: BP4, BP7

Blueprint Genetics
Classification: Likely benign. Last evaluated: 2024-09-18. Review status: criteria provided, single submitter. Criteria: ACMG Guidelines, 2015. Collection method: clinical testing. Allele origin: germline.

GeneDx
Classification: Likely benign. Last evaluated: 2020-07-10. Review status: criteria provided, single submitter. Criteria: GeneDx Variant Classification Process June 2021. Collection method: clinical testing. Allele origin: germline. Affected: yes.

Illumina Laboratory Services, Illumina
Classification: Uncertain significance for Dilated cardiomyopathy 1DD. Last evaluated: 2018-01-13. Review status: criteria provided, single submitter. Criteria: ICSL Variant Classification Criteria 13 December 2019. Collection method: clinical testing. Allele origin: germline.

Ambry Genetics
Classification: Likely benign for Cardiovascular phenotype. Last evaluated: 2016-04-29. Review status: criteria provided, single submitter. Criteria: Ambry Variant Classification Scheme 2023. Collection method: clinical testing. Allele origin: germline.